The following is an entry in ClinVar:

ClinVar aggregate classification (germline): Likely benign. Review status: criteria provided, multiple submitters, no conflicts (2 of 4 stars). 2 submissions from 2 submitters: Likely benign (2). Last evaluated 2024-05-06.

Conditions:
Familial temporal lobe epilepsy 7. Identifiers: Orphanet 101046, MedGen C4225327, MONDO:0014639, OMIM 616436.
Norman-Roberts syndrome (LIS2). Also called: Lissencephaly 2 (Norman-Roberts type). Identifiers: Orphanet 89844, MedGen C0796089, MONDO:0009760, OMIM 257320.

Allele frequency attached by ClinVar (database versions not stated): gnomAD exomes below 0.00001 and 0.00002; TOPMed 0.00001.
gnomAD v4.1: 4 of 1,596,440 alleles (0.00025%); highest among the groups gnomAD compares: Admixed American, 0.0067%; no homozygotes.

Submissions (2):

Labcorp Genetics (formerly Invitae), Labcorp
Classification: Likely benign for Familial temporal lobe epilepsy 7; Norman-Roberts syndrome. Last evaluated: 2024-05-06. Review status: criteria provided, single submitter. Criteria: Invitae Variant Classification Sherloc (09022015). Collection method: clinical testing. Allele origin: germline.

GeneDx
Classification: Likely benign. Last evaluated: 2017-11-14. Review status: criteria provided, single submitter. Criteria: GeneDx Variant Classification (06012015). Collection method: clinical testing. Allele origin: germline. Affected: yes.
Comment: This variant is considered likely benign or benign based on one or more of the following criteria: it is a conservative change, it occurs at a poorly conserved position in the protein, it is predicted to be benign by multiple in silico algorithms, and/or has population frequency not consistent with disease.

NM_005045.4(RELN):c.5615-16G>A

Gene: RELN (reelin; minus strand). Cytogenetic location: 7q22.1.
Variant type: single nucleotide variant.
Coding change: c.5615-16G>A on transcript NM_005045.4 (MANE Select); 16 bases into the intron before coding-DNA position 5615, G replaced by A.
Molecular consequence: intron variant.
Genome position (GRCh38, 1-based): chr7:103,557,175, C>T on the plus strand (G>A on the coding strand, the complement: RELN is on the minus strand). VCF-style: chr7-103557175-C-T. GRCh37 (hg19) VCF-style: chr7-103197622-C-T.
Other names: c.5615-16G>A (NM_173054.3).
Identifiers: ClinVar variation 513453 (VCV000513453.8), dbSNP rs1554377679, ClinGen allele CA577196994.
Genomic context (GRCh38, chr7:103,557,175, plus strand): 5'-TGATGGAGAATTGTAACAGAATAGAGTGAGATCTCTCTGGGGTACCTAGGAAGAAGATAA[C>T]ACAGGTATAAAACATACTGTGATAAAAATGGGGAAATGGTATGTTCTTAGCTGAATCTTT-3'